The following is an entry in ClinVar:

ClinVar aggregate classification (germline): Likely pathogenic (1 of 4 stars; one submission).

Conditions:
Dilated cardiomyopathy 1G (CMD1G). Identifiers: Orphanet 154, MedGen C1858763, MONDO:0011400, OMIM 604145.
Autosomal recessive limb-girdle muscular dystrophy type 2J (LGMDR10). Also called: MUSCULAR DYSTROPHY, LIMB-GIRDLE, AUTOSOMAL RECESSIVE 10; Limb-girdle muscular dystrophy, type 2J. Identifiers: Orphanet 140922, MedGen C1837342, MONDO:0012127, OMIM 608807.

Submission:

Labcorp Genetics (formerly Invitae), Labcorp
Classification: Likely pathogenic for Dilated cardiomyopathy 1G; Autosomal recessive limb-girdle muscular dystrophy type 2J. Last evaluated: 2021-12-07. Review status: criteria provided, single submitter. Criteria: Invitae Variant Classification Sherloc (09022015). Collection method: clinical testing. Allele origin: germline.
Comment: This sequence change creates a premature translational stop signal (p.Gln20559*) in the TTN gene. While this is not anticipated to result in nonsense mediated decay, it is expected to create a truncated TTN protein. This variant is not present in population databases (gnomAD no frequency). This variant has not been reported in the literature in individuals affected with TTN-related conditions. This variant is located in the A band of TTN (PMID: 25589632). Truncating variants in this region are significantly overrepresented in patients affected with dilated cardiomyopathy (PMID: 25589632). Truncating variants in this region have also been reported in individuals affected with autosomal recessive centronuclear myopathy (PMID: 23975875). In summary, the currently available evidence indicates that the variant is pathogenic, but additional data are needed to prove that conclusively. Therefore, this variant has been classified as Likely Pathogenic.

Literature cited by the submitters: PubMed 25589632; PubMed 23975875.

NM_001267550.2(TTN):c.61675C>T (p.Gln20559Ter)

Genes: TTN (titin; minus strand), TTN-AS1 (TTN antisense RNA 1; plus strand). Cytogenetic location: 2q31.2.
Variant type: single nucleotide variant.
Coding change: c.61675C>T on transcript NM_001267550.2 (MANE Select); coding-DNA position 61675, C replaced by T.
Protein change: p.Gln20559Ter; replaces glutamine 20559 with a stop codon.
Molecular consequence: nonsense.
Genome position (GRCh38, 1-based): chr2:178,590,050, G>A on the plus strand (C>T on the coding strand, the complement: TTN is on the minus strand). VCF-style: chr2-178590050-G-A. GRCh37 (hg19) VCF-style: chr2-179454777-G-A.
Other names: c.56752C>T, p.Gln18918Ter (NM_001256850.1); c.34480C>T, p.Gln11494Ter (NM_003319.4); c.53971C>T, p.Gln17991Ter (NM_133378.4); c.34855C>T, p.Gln11619Ter (NM_133432.3); c.35056C>T, p.Gln11686Ter (NM_133437.4); short protein forms Q11619*, Q17991*, Q11494*, Q18918*, Q20559*, Q11686*.
Identifiers: ClinVar variation 2037069 (VCV002037069.4), dbSNP rs2469419056, ClinGen allele CA349470275.